The following is an entry in ClinVar:

ClinVar aggregate classification (germline): Conflicting classifications of pathogenicity. Review status: criteria provided, conflicting classifications (1 of 4 stars). 21 submissions from 18 submitters: Uncertain significance (1); Benign (5); Likely benign (12). 3 of the submissions do not count toward it. Last evaluated 2026-02-01.

Conditions:
Autosomal dominant hypocalcemia 1 (HYPOC1). Also called: HYPOCALCEMIA, FAMILIAL. Identifiers: MedGen C3715128, MONDO:0011013, OMIM 601198.
Familial hypocalciuric hypercalcemia (FHH). Also called: Familial benign hypercalcemia. Identifiers: Orphanet 405, MedGen C1809471, MONDO:0018458.
Nephrolithiasis/nephrocalcinosis. Identifiers: MedGen CN580796.
Familial hypocalciuric hypercalcemia 1. Also called: Hypercalcemia, familial benign type 1. Identifiers: Orphanet 405, Orphanet 93372, MedGen C0342637, MONDO:0007791, OMIM 145980.
Hereditary cancer-predisposing syndrome. Also called: Neoplastic Syndromes, Hereditary; Tumor predisposition; Hereditary Cancer Syndrome; Hereditary neoplastic syndrome. Identifiers: Orphanet 140162, MedGen C0027672, MeSH D009386, MONDO:0015356.
Neonatal severe primary hyperparathyroidism. Identifiers: Orphanet 417, MedGen C1832615, MONDO:0009397, OMIM 239200.
Epilepsy, idiopathic generalized, susceptibility to, 8. Identifiers: MedGen C2752062, MONDO:0013032, OMIM 612899.
Familial hypoparathyroidism. Also called: Familial isolated hypoparathyroidism. Identifiers: Orphanet 2238, MedGen C1832648, MONDO:0016390.

Allele frequency attached by ClinVar (database versions not stated): 1000 Genomes Project 30x 0.00016; 1000 Genomes Project 0.00020; gnomAD exomes 0.00152 and 0.00291; TOPMed 0.00152; gnomAD 0.00159 and 0.00163; ExAC 0.00184; ESP Exome Variant Server 0.00269.
gnomAD v4.1: 4,563 of 1,614,256 alleles (0.28%); highest among the groups gnomAD compares: Non-Finnish European, 0.36%; 12 homozygotes.

Submissions (21):

CeGaT Center for Human Genetics Tuebingen
Classification: Likely benign. Last evaluated: 2026-02-01. Review status: criteria provided, single submitter. Criteria: CeGaT Center For Human Genetics Tuebingen Variant Classification Criteria Version 2. Collection method: clinical testing. Allele origin: germline. Affected: yes. Observed: 9 variant alleles.
Comment: CASR: BP4

Labcorp Genetics (formerly Invitae), Labcorp
Classification: Benign for Familial hypocalciuric hypercalcemia; Autosomal dominant hypocalcemia 1. Last evaluated: 2026-01-26. Review status: criteria provided, single submitter. Criteria: Invitae Variant Classification Sherloc (09022015). Collection method: clinical testing. Allele origin: germline.

Rare Kidney Stone Consortium and the Mayo Clinic Hyperoxaluria Center, Mayo Clinic
Classification: Uncertain significance for Autosomal dominant hypocalcemia 1; Familial hypocalciuric hypercalcemia 1. Last evaluated: 2025-10-03. Review status: criteria provided, single submitter. Criteria: ACMG Guidelines, 2015. Collection method: research. Allele origin: germline. Observed: 1 variant allele.
Comment: ACMG:PM1, PM2, PP2, BP4, BP6

Center for Genomic Medicine, Rigshospitalet, Copenhagen University Hospital
Classification: Likely benign. Last evaluated: 2025-03-04. Review status: criteria provided, single submitter. Criteria: ACMG Guidelines, 2015. Collection method: clinical testing. Allele origin: germline.

Blueprint Genetics
Classification: Likely benign. Last evaluated: 2024-11-25. Review status: criteria provided, single submitter. Criteria: ACMG Guidelines, 2015. Collection method: clinical testing. Allele origin: germline.

Women's Health and Genetics/Laboratory Corporation of America, LabCorp
Classification: Benign. Last evaluated: 2023-08-02. Review status: criteria provided, single submitter. Criteria: LabCorp Variant Classification Summary - May 2015. Collection method: clinical testing. Allele origin: germline.
Comment: Variant summary: CASR c.748G>A (p.Glu250Lys) results in a conservative amino acid change located in the Receptor, ligand binding region (IPR001828) of the encoded protein sequence. Five of five in-silico tools predict a benign effect of the variant on protein function. The variant allele was found at a frequency of 0.0015 in 251346 control chromosomes. The observed variant frequency is approximately 121.9 fold of the estimated maximal expected allele frequency for a pathogenic variant in CASR causing Familial Hypocalciuric Hypercalcemia phenotype (1.3e-05), strongly suggesting that the variant is benign. c.748G>A has been reported in the literature in individuals affected with Familial Hypocalciuric Hypercalcemia and autosomal dominant hypocalcaemia with Hypercalciuria without strong evidence for causality (examples: Simonds_2002, Hannan_2012, Nissen_2007, Frank-Raue_2011). These data do not allow any conclusion about variant significance. At least one publication reports experimental evidence evaluating an impact on protein function (Hannan_2012). These results showed no damaging effect of this variant. The following publications have been ascertained in the context of this evaluation (PMID: 22422767, 22192860, 11807402, 21521328). Twelve submitters have cited clinical-significance assessments for this variant to ClinVar after 2014. All submitters classified the variant as benign/likely benign. Based on the evidence outlined above, the variant was classified as benign.

Fulgent Genetics
Classification: Likely benign for Familial hypocalciuric hypercalcemia 1; Neonatal severe primary hyperparathyroidism; Autosomal dominant hypocalcemia 1; Epilepsy, idiopathic generalized, susceptibility to, 8. Last evaluated: 2022-04-19. Review status: criteria provided, single submitter. Criteria: ACMG Guidelines, 2015. Collection method: clinical testing. Allele origin: unknown.

Athena Diagnostics
Classification: Benign. Last evaluated: 2021-01-20. Review status: criteria provided, single submitter. Criteria: Athena Diagnostics criteria. Collection method: clinical testing. Allele origin: unknown.

Sema4
Classification: Likely benign for Hereditary cancer-predisposing syndrome. Last evaluated: 2020-11-16. Review status: criteria provided, single submitter. Criteria: Sema4 Curation Guidelines. Collection method: curation. Allele origin: germline.

Mendelics
Classification: Benign for Familial hypocalciuric hypercalcemia 1. Last evaluated: 2019-05-28. Review status: criteria provided, single submitter. Criteria: Mendelics Assertion Criteria 2017. Collection method: clinical testing. Allele origin: unknown.

Ambry Genetics
Classification: Likely benign for Nephrolithiasis/nephrocalcinosis. Last evaluated: 2018-11-09. Review status: criteria provided, single submitter. Criteria: Ambry Variant Classification Scheme 2023. Collection method: clinical testing. Allele origin: germline.

GeneDx
Classification: Likely benign. Last evaluated: 2018-02-13. Review status: criteria provided, single submitter. Criteria: GeneDx Variant Classification (06012015). Collection method: clinical testing. Allele origin: germline. Affected: yes.
Comment: This variant is considered likely benign or benign based on one or more of the following criteria: it is a conservative change, it occurs at a poorly conserved position in the protein, it is predicted to be benign by multiple in silico algorithms, and/or has population frequency not consistent with disease.

Center for Pediatric Genomic Medicine, Children's Mercy Hospital and Clinics
Classification: Likely benign. Last evaluated: 2017-05-31. Review status: criteria provided, single submitter. Criteria: ACMG Guidelines, 2015. Collection method: clinical testing. Allele origin: germline.

Illumina Laboratory Services, Illumina
Classification: Likely benign for Autosomal dominant hypocalcemia 1. Last evaluated: 2017-04-27. Review status: criteria provided, single submitter. Criteria: ICSL Variant Classification Criteria 13 December 2019. Collection method: clinical testing. Allele origin: germline.
Comment: This variant was observed as part of a predisposition screen in an ostensibly healthy population. A literature search was performed for the gene, cDNA change, and amino acid change (where applicable). No publications were found based on this search. Allele frequency data from public databases allowed determination this variant is unlikely to cause disease. Therefore, this variant is classified as likely benign.

Illumina Laboratory Services, Illumina
Classification: Likely benign for Familial hypocalciuric hypercalcemia 1. Last evaluated: 2017-04-27. Review status: criteria provided, single submitter. Criteria: ICSL Variant Classification Criteria 13 December 2019. Collection method: clinical testing. Allele origin: germline.
Comment: the same text as in the submission from Illumina Laboratory Services, Illumina above.

Illumina Laboratory Services, Illumina
Classification: Likely benign for Neonatal severe primary hyperparathyroidism. Last evaluated: 2017-04-27. Review status: criteria provided, single submitter. Criteria: ICSL Variant Classification Criteria 13 December 2019. Collection method: clinical testing. Allele origin: germline.
Comment: the same text as in the submission from Illumina Laboratory Services, Illumina above.

Illumina Laboratory Services, Illumina
Classification: Likely benign for Familial isolated hypoparathyroidism. Last evaluated: 2017-04-27. Review status: criteria provided, single submitter. Criteria: ICSL Variant Classification Criteria 13 December 2019. Collection method: clinical testing. Allele origin: germline.
Comment: the same text as in the submission from Illumina Laboratory Services, Illumina above.

Eurofins Ntd Llc (ga)
Classification: Benign. Last evaluated: 2015-02-05. Review status: criteria provided, single submitter. Criteria: EGL Classification Definitions 2015. Collection method: clinical testing. Allele origin: germline. Observed: 1 variant allele, 1 heterozygote.

Genetic Services Laboratory, University of Chicago
Classification: Likely benign. Last evaluated: 2022-05-09. Review status: no assertion criteria provided. Collection method: clinical testing. Allele origin: germline. Affected: no. Not counted in ClinVar's aggregate classification.

Clinical Genetics DNA and cytogenetics Diagnostics Lab, Erasmus MC, Erasmus Medical Center
Classification: Likely benign. Review status: no assertion criteria provided. Collection method: clinical testing. Allele origin: germline. Affected: yes. Study: VKGL Data-share Consensus. Not counted in ClinVar's aggregate classification.

Genome Diagnostics Laboratory, University Medical Center Utrecht
Classification: Likely benign. Review status: no assertion criteria provided. Collection method: clinical testing. Allele origin: germline. Affected: yes. Study: VKGL Data-share Consensus. Not counted in ClinVar's aggregate classification.

Literature cited by the submitters: PubMed 11807402 (cited by 4 submitters); PubMed 21521328 (cited by 4 submitters); PubMed 22422767 (cited by 5 submitters); PubMed 34426522 (cited by Rare Kidney Stone Consortium and the Mayo Clinic Hyperoxaluria Center, Mayo Clinic); PubMed 40794449 (cited by Rare Kidney Stone Consortium and the Mayo Clinic Hyperoxaluria Center, Mayo Clinic); PubMed 22192860 (cited by Women's Health and Genetics/Laboratory Corporation of America, LabCorp); PubMed 17698911 (cited by Athena Diagnostics).

NM_000388.4(CASR):c.748G>A (p.Glu250Lys)

Gene: CASR (calcium sensing receptor; plus strand). Cytogenetic location: 3q21.1.
Variant type: single nucleotide variant.
Coding change: c.748G>A on transcript NM_000388.4 (MANE Select); coding-DNA position 748, G replaced by A.
Protein change: p.Glu250Lys; replaces glutamic acid 250 with lysine.
Molecular consequence: missense variant.
Genome position (GRCh38, 1-based): chr3:122,261,783, G>A. VCF-style: chr3-122261783-G-A. GRCh37 (hg19) VCF-style: chr3-121980630-G-A.
Other names: c.748G>A, p.Glu250Lys (NM_001178065.2); short protein forms E250K.
Identifiers: ClinVar variation 196262 (VCV000196262.73), dbSNP rs62269092, ClinGen allele CA202250.